The following is an entry in ClinVar:

ClinVar aggregate classification (germline): Uncertain significance (1 of 4 stars; one submission).

Allele frequency attached by ClinVar (database versions not stated): TOPMed below 0.00001.
gnomAD v4.1: 1 of 1,606,648 alleles (0.000062%); highest among the groups gnomAD compares: Non-Finnish European, 0.000085%; no homozygotes.

Submission:

Labcorp Genetics (formerly Invitae), Labcorp
Classification: Uncertain significance. Last evaluated: 2022-11-08. Review status: criteria provided, single submitter. Criteria: Invitae Variant Classification Sherloc (09022015). Collection method: clinical testing. Allele origin: germline.
Comment: This sequence change replaces glutamine, which is neutral and polar, with lysine, which is basic and polar, at codon 14 of the CNGA1 protein (p.Gln14Lys). This variant is not present in population databases (gnomAD no frequency). This variant has not been reported in the literature in individuals affected with CNGA1-related conditions. ClinVar contains an entry for this variant (Variation ID: 1008367). Algorithms developed to predict the effect of missense changes on protein structure and function (SIFT, PolyPhen-2, Align-GVGD) all suggest that this variant is likely to be tolerated. In summary, the available evidence is currently insufficient to determine the role of this variant in disease. Therefore, it has been classified as a Variant of Uncertain Significance.

NM_001379270.1(CNGA1):c.28C>A (p.Gln10Lys)

Genes: CNGA1 (cyclic nucleotide gated channel subunit alpha 1; minus strand), LOC101927157 (uncharacterized LOC101927157; plus strand). Cytogenetic location: 4p12.
Variant type: single nucleotide variant.
Coding change: c.28C>A on transcript NM_001379270.1 (MANE Select); coding-DNA position 28, C replaced by A.
Protein change: p.Gln10Lys; replaces glutamine 10 with lysine.
Molecular consequence: missense variant.
Genome position (GRCh38, 1-based): chr4:47,952,662, G>T on the plus strand (C>A on the coding strand, the complement: CNGA1 is on the minus strand). VCF-style: chr4-47952662-G-T. GRCh37 (hg19) VCF-style: chr4-47954679-G-T.
Other names: c.28C>A, p.Gln10Lys (NM_000087.5, NM_001142564.2); short protein forms Q10K.
Identifiers: ClinVar variation 1008367 (VCV001008367.9), dbSNP rs772481945, ClinGen allele CA356836721.